The following is an entry in ClinVar:

ClinVar aggregate classification (germline): Uncertain significance. Review status: criteria provided, single submitter (1 of 4 stars). 2 submissions from 2 submitters: Uncertain significance (1). 1 of the submissions does not count toward it. Last evaluated 2019-11-23.

Conditions:
Meckel-Gruber syndrome. Also called: DYSENCEPHALIA SPLANCHNOCYSTICA; GRUBER SYNDROME; Dysencephalia splachnocystica. Identifiers: Orphanet 564, MedGen C0265215, MONDO:0018921.
Nephronophthisis. Also called: Juvenile Nephronophthisis. Identifiers: Orphanet 655, MedGen C0687120, MONDO:0019005, HP:0000090.
Joubert syndrome. Also called: CEREBELLOPARENCHYMAL DISORDER IV; JOUBERT-BOLTSHAUSER SYNDROME; Familial aplasia of the vermis. Identifiers: Orphanet 475, MedGen C5979921, MONDO:0018772.
CEP290-related disorder. Also called: CEP290-related condition; CEP290-related disorders. Identifiers: MedGen CN239314.

Submissions (2):

Labcorp Genetics (formerly Invitae), Labcorp
Classification: Uncertain significance for Joubert syndrome; Meckel-Gruber syndrome; Nephronophthisis. Last evaluated: 2019-11-23. Review status: criteria provided, single submitter. Criteria: Invitae Variant Classification Sherloc (09022015). Collection method: clinical testing. Allele origin: germline.
Comment: This variant is not present in population databases (ExAC no frequency). This sequence change replaces threonine with isoleucine at codon 1938 of the CEP290 protein (p.Thr1938Ile). The threonine residue is moderately conserved and there is a moderate physicochemical difference between threonine and isoleucine. This variant has not been reported in the literature in individuals with CEP290-related conditions. In summary, the available evidence is currently insufficient to determine the role of this variant in disease. Therefore, it has been classified as a Variant of Uncertain Significance. Algorithms developed to predict the effect of missense changes on protein structure and function output the following: SIFT: "Tolerated"; PolyPhen-2: "Benign"; Align-GVGD: "Class C0". The isoleucine amino acid residue is found in multiple mammalian species, suggesting that this missense change does not adversely affect protein function. These predictions have not been confirmed by published functional studies and their clinical significance is uncertain.

PreventionGenetics, part of Exact Sciences
Classification: Uncertain significance for CEP290-related condition. Last evaluated: 2024-06-26. Review status: no assertion criteria provided. Collection method: clinical testing. Allele origin: germline. Not counted in ClinVar's aggregate classification.
Comment: The CEP290 c.5813C>T variant is predicted to result in the amino acid substitution p.Thr1938Ile. To our knowledge, this variant has not been reported in the literature or in a large population database, indicating this variant is rare. At this time, the clinical significance of this variant is uncertain due to the absence of conclusive functional and genetic evidence.

NM_025114.4(CEP290):c.5813C>T (p.Thr1938Ile)

Gene: CEP290 (centrosomal protein 290; minus strand). Cytogenetic location: 12q21.32.
Variant type: single nucleotide variant.
Coding change: c.5813C>T on transcript NM_025114.4 (MANE Select); coding-DNA position 5813, C replaced by T.
Protein change: p.Thr1938Ile; replaces threonine 1938 with isoleucine.
Molecular consequence: missense variant.
Genome position (GRCh38, 1-based): chr12:88,071,823, G>A on the plus strand (C>T on the coding strand, the complement: CEP290 is on the minus strand). VCF-style: chr12-88071823-G-A. GRCh37 (hg19) VCF-style: chr12-88465600-G-A.
Other names: short protein forms T1938I.
Identifiers: ClinVar variation 862549 (VCV000862549.11), dbSNP rs2035397823, ClinGen allele CA385984614.